The following is an entry in ClinVar:

ClinVar aggregate classification (germline): Uncertain significance (1 of 4 stars; one submission).

Conditions:
PLXNA2-related disorder. Also called: PLXNA2-related condition.

gnomAD v4.1: 8 of 1,612,894 alleles (0.0005%); highest among the groups gnomAD compares: South Asian, 0.0055%; no homozygotes.

Submission:

PreventionGenetics, part of Exact Sciences
Classification: Uncertain significance for PLXNA2-related condition. Last evaluated: 2025-01-18. Review status: criteria provided, single submitter. Criteria: ACMG Guidelines, 2015. Collection method: clinical testing. Allele origin: germline.
Comment: The PLXNA2 c.2539G>T variant is predicted to result in the amino acid substitution p.Asp847Tyr. To our knowledge, this variant has not been reported in the literature. This variant is reported in 0.0033% of alleles in individuals of South Asian descent in gnomAD. At this time, the clinical significance of this variant is uncertain due to the absence of conclusive functional and genetic evidence.

NM_025179.4(PLXNA2):c.2539G>T (p.Asp847Tyr)

Gene: PLXNA2 (plexin A2; minus strand). Cytogenetic location: 1q32.2.
Variant type: single nucleotide variant.
Coding change: c.2539G>T on transcript NM_025179.4 (MANE Select); coding-DNA position 2539, G replaced by T.
Protein change: p.Asp847Tyr; replaces aspartic acid 847 with tyrosine.
Molecular consequence: missense variant.
Genome position (GRCh38, 1-based): chr1:208,079,307, C>A on the plus strand (G>T on the coding strand, the complement: PLXNA2 is on the minus strand). VCF-style: chr1-208079307-C-A. GRCh37 (hg19) VCF-style: chr1-208252652-C-A.
Other names: short protein forms D847Y.
Identifiers: ClinVar variation 4986503 (VCV004986503.1).
Genomic context (GRCh38, chr1:208,079,307, plus strand): 5'-TTGCAGGACTTACCTCGGTGATTTGAGGGTTGGAGCACTTGACATTGTGGCTGGACCAGT[C>A]GAGCCAGGGGCTGGAAGGGCTGGTACAGTGCTGGTGGAGGGTGCACCTGCGCTCGCCGCT-3'
Protein context (NP_079455.3, residues 837-857): HCTSPSSPWL[Asp847Tyr]WSSHNVKCSN